The following is an entry in ClinVar:

NM_001029883.3(PCARE):c.3469G>A (p.Gly1157Arg)

Gene: PCARE (photoreceptor cilium actin regulator; minus strand). Cytogenetic location: 2p23.2.
Variant type: single nucleotide variant.
Coding change: c.3469G>A on transcript NM_001029883.3 (MANE Select); coding-DNA position 3469, G replaced by A.
Protein change: p.Gly1157Arg; replaces glycine 1157 with arginine.
Molecular consequence: missense variant.
Genome position (GRCh38, 1-based): chr2:29,070,793, C>T on the plus strand (G>A on the coding strand, the complement: PCARE is on the minus strand). VCF-style: chr2-29070793-C-T. GRCh37 (hg19) VCF-style: chr2-29293659-C-T.
Other names: short protein forms G1157R.
Identifiers: ClinVar variation 1520787 (VCV001520787.9), dbSNP rs755486918, ClinGen allele CA1591923.

ClinVar aggregate classification (germline): Conflicting classifications of pathogenicity. Review status: criteria provided, conflicting classifications (1 of 4 stars). 2 submissions from 2 submitters: Uncertain significance (1); Likely benign (1). Last evaluated 2023-10-01.

Conditions:
Retinal dystrophy. Also called: Inherited retinal dystrophy. Identifiers: Orphanet 71862, MedGen C0854723, MeSH D058499, MONDO:0019118, HP:0000556.

Allele frequency attached by ClinVar (database versions not stated): gnomAD exomes 0.00001.

Submissions (2):

Dept Of Ophthalmology, Nagoya University
Classification: Likely benign for Retinal dystrophy. Last evaluated: 2023-10-01. Review status: criteria provided, single submitter. Criteria: Submitter's publication. Collection method: research. Allele origin: germline. Affected: yes.

Labcorp Genetics (formerly Invitae), Labcorp
Classification: Uncertain significance. Last evaluated: 2020-12-08. Review status: criteria provided, single submitter. Criteria: Invitae Variant Classification Sherloc (09022015). Collection method: clinical testing. Allele origin: germline.
Comment: In summary, the available evidence is currently insufficient to determine the role of this variant in disease. Therefore, it has been classified as a Variant of Uncertain Significance. Algorithms developed to predict the effect of sequence changes on RNA splicing suggest that this variant may create or strengthen a splice site, but this prediction has not been confirmed by published transcriptional studies. Algorithms developed to predict the effect of missense changes on protein structure and function output the following: SIFT: "Tolerated"; PolyPhen-2: "Benign"; Align-GVGD: "Class C0". The arginine amino acid residue is found in multiple mammalian species, suggesting that this missense change does not adversely affect protein function. These predictions have not been confirmed by published functional studies and their clinical significance is uncertain. This variant has not been reported in the literature in individuals with PCARE-related conditions. This variant is present in population databases (rs755486918, ExAC 0.01%). This sequence change replaces glycine with arginine at codon 1157 of the PCARE protein (p.Gly1157Arg). The glycine residue is moderately conserved and there is a moderate physicochemical difference between glycine and arginine.